The following is an entry in ClinVar:

NM_153026.3(PRICKLE1):c.1346T>C (p.Val449Ala)

Gene: PRICKLE1 (prickle planar cell polarity protein 1; minus strand). Cytogenetic location: 12q12.
Variant type: single nucleotide variant.
Coding change: c.1346T>C on transcript NM_153026.3 (MANE Select); coding-DNA position 1346, T replaced by C.
Protein change: p.Val449Ala; replaces valine 449 with alanine.
Molecular consequence: missense variant.
Genome position (GRCh38, 1-based): chr12:42,464,688, A>G on the plus strand (T>C on the coding strand, the complement: PRICKLE1 is on the minus strand). VCF-style: chr12-42464688-A-G. GRCh37 (hg19) VCF-style: chr12-42858490-A-G.
Other names: c.1346T>C, p.Val449Ala (NM_001144881.2, NM_001144882.2, NM_001144883.2); short protein forms V449A.
Identifiers: ClinVar variation 2091369 (VCV002091369.4), dbSNP rs2503413504, ClinGen allele CA384441904.

ClinVar aggregate classification (germline): Uncertain significance (1 of 4 stars; one submission).

Conditions:
Epilepsy, progressive myoclonic, 1B. Also called: PME. Identifiers: Orphanet 308, MedGen C2676254, MONDO:0012904, OMIM 612437.

Submission:

Labcorp Genetics (formerly Invitae), Labcorp
Classification: Uncertain significance for Epilepsy, progressive myoclonic, 1B. Last evaluated: 2024-04-29. Review status: criteria provided, single submitter. Criteria: Invitae Variant Classification Sherloc (09022015). Collection method: clinical testing. Allele origin: germline.
Comment: This sequence change replaces valine, which is neutral and non-polar, with alanine, which is neutral and non-polar, at codon 449 of the PRICKLE1 protein (p.Val449Ala). This variant is not present in population databases (gnomAD no frequency). This variant has not been reported in the literature in individuals affected with PRICKLE1-related conditions. ClinVar contains an entry for this variant (Variation ID: 2091369). Advanced modeling of protein sequence and biophysical properties (such as structural, functional, and spatial information, amino acid conservation, physicochemical variation, residue mobility, and thermodynamic stability) performed at Invitae indicates that this missense variant is not expected to disrupt PRICKLE1 protein function with a negative predictive value of 80%. In summary, the available evidence is currently insufficient to determine the role of this variant in disease. Therefore, it has been classified as a Variant of Uncertain Significance.